The following is an entry in ClinVar:

NM_001376.5(DYNC1H1):c.1390G>C (p.Asp464His)

Gene: DYNC1H1 (dynein cytoplasmic 1 heavy chain 1; plus strand). Cytogenetic location: 14q32.31.
Variant type: single nucleotide variant.
Coding change: c.1390G>C on transcript NM_001376.5 (MANE Select); coding-DNA position 1390, G replaced by C.
Protein change: p.Asp464His; replaces aspartic acid 464 with histidine.
Molecular consequence: missense variant.
Genome position (GRCh38, 1-based): chr14:101,983,538, G>C. VCF-style: chr14-101983538-G-C. GRCh37 (hg19) VCF-style: chr14-102449875-G-C.
Other names: short protein forms D464H.
Identifiers: ClinVar variation 2632240 (VCV002632240.4), dbSNP rs777919963, ClinGen allele CA391015820.
Genomic context (GRCh38, chr14:101,983,538, plus strand): 5'-GAAAATCTGAAGATGGTGTGGCGTATCAACCCTGCCCACAGGAAGCTGCAGGCCCGCCTT[G>C]ACCAGATGAGAAAATTTAGACGCCAGCATGAACAGCTAAGAGCTGTTATCGTCAGGGTCC-3'
Protein context (NP_001367.2, residues 454-474): PAHRKLQARL[Asp464His]QMRKFRRQHE

ClinVar aggregate classification (germline): Uncertain significance. Review status: criteria provided, multiple submitters, no conflicts (2 of 4 stars). 2 submissions from 2 submitters: Uncertain significance (2). Last evaluated 2023-12-27.

Conditions:
DYNC1H1-related disorder. Also called: DYNC1H1-related condition; DYNC1H1-related disorders. Identifiers: MedGen CN381529.
Charcot-Marie-Tooth disease axonal type 2O. Also called: CHARCOT-MARIE-TOOTH NEUROPATHY, AXONAL, TYPE 2O; CHARCOT-MARIE-TOOTH DISEASE, AXONAL, AUTOSOMAL DOMINANT, TYPE 2O; Charcot-Marie-Tooth Neuropathy Type 2O; Charcot-Marie-Tooth disease, axonal, type 20. Identifiers: Orphanet 284232, MedGen C3280220, MONDO:0013644, OMIM 614228.

Submissions (2):

Labcorp Genetics (formerly Invitae), Labcorp
Classification: Uncertain significance for Charcot-Marie-Tooth disease axonal type 2O. Last evaluated: 2023-12-27. Review status: criteria provided, single submitter. Criteria: Invitae Variant Classification Sherloc (09022015). Collection method: clinical testing. Allele origin: germline.
Comment: This sequence change replaces aspartic acid, which is acidic and polar, with histidine, which is basic and polar, at codon 464 of the DYNC1H1 protein (p.Asp464His). This variant is not present in population databases (gnomAD no frequency). This variant has not been reported in the literature in individuals affected with DYNC1H1-related conditions. ClinVar contains an entry for this variant (Variation ID: 2632240). Advanced modeling of protein sequence and biophysical properties (such as structural, functional, and spatial information, amino acid conservation, physicochemical variation, residue mobility, and thermodynamic stability) has been performed at Invitae for this missense variant, however the output from this modeling did not meet the statistical confidence thresholds required to predict the impact of this variant on DYNC1H1 protein function. In summary, the available evidence is currently insufficient to determine the role of this variant in disease. Therefore, it has been classified as a Variant of Uncertain Significance.

PreventionGenetics, part of Exact Sciences
Classification: Uncertain significance for DYNC1H1-related condition. Last evaluated: 2023-06-27. Review status: criteria provided, single submitter. Criteria: ACMG Guidelines, 2015. Collection method: clinical testing. Allele origin: germline.
Comment: The DYNC1H1 c.1390G>C variant is predicted to result in the amino acid substitution p.Asp464His. To our knowledge, this variant has not been reported in the literature or in a large population database, indicating this variant is rare. At this time, the clinical significance of this variant is uncertain due to the absence of conclusive functional and genetic evidence.